The following is an entry in ClinVar:

NM_004628.5(XPC):c.872C>G (p.Ser291Cys)

Gene: XPC (XPC complex subunit, DNA damage recognition and repair factor; minus strand). Cytogenetic location: 3p25.1.
Variant type: single nucleotide variant.
Coding change: c.872C>G on transcript NM_004628.5 (MANE Select); coding-DNA position 872, C replaced by G.
Protein change: p.Ser291Cys; replaces serine 291 with cysteine.
Molecular consequence: missense variant. On other transcripts: non-coding transcript variant (2).
Genome position (GRCh38, 1-based): chr3:14,164,841, G>C on the plus strand (C>G on the coding strand, the complement: XPC is on the minus strand). VCF-style: chr3-14164841-G-C. GRCh37 (hg19) VCF-style: chr3-14206341-G-C.
Other names: c.293C>G, p.Ser98Cys (NM_001354726.2); c.872C>G, p.Ser291Cys (NM_001354727.2, NM_001354730.2); c.854C>G, p.Ser285Cys (NM_001354729.2); short protein forms S291C, S98C, S285C.
Identifiers: ClinVar variation 135481 (VCV000135481.22), dbSNP rs184879571, ClinGen allele CA162901.
Genomic context (GRCh38, chr3:14,164,841, plus strand): 5'-ATAAAAAACAGTGATCCGGGAGGATCACTTACATGGACCAATTCCTCATCATCTCGAGCA[G>C]AGTAAATAGCAAATCTCCTTTCCAATGTAGTCTGCAGGTTATCTTGTTCACTGGCTGAAA-3'
Protein context (NP_004619.3, residues 281-301): TTLERRFAIY[Ser291Cys]ARDDEELVHI

ClinVar aggregate classification (germline): Conflicting classifications of pathogenicity. Review status: criteria provided, conflicting classifications (1 of 4 stars). 5 submissions from 5 submitters: Uncertain significance (1); Benign (2); Likely benign (1). 1 of the submissions does not count toward it. Last evaluated 2026-01-28.

Conditions:
Xeroderma pigmentosum, group C (XPC). Also called: Xeroderma pigmentosum, complementation group C; XERODERMA PIGMENTOSUM III; XP, GROUP C; XPC-Related Xeroderma Pigmentosum. Identifiers: Orphanet 910, MedGen C2752147, MONDO:0010211, OMIM 278720.

Allele frequency attached by ClinVar (database versions not stated): ESP Exome Variant Server 0.00074; TOPMed 0.00084; 1000 Genomes Project 30x 0.00125; 1000 Genomes Project 0.00160; gnomAD 0.00293 and 0.00304.
gnomAD v4.1: 2,893 of 1,613,562 alleles (0.18%); highest among the groups gnomAD compares: Admixed American, 0.08%; 25 homozygotes.

Submissions (5):

Labcorp Genetics (formerly Invitae), Labcorp
Classification: Benign. Last evaluated: 2026-01-28. Review status: criteria provided, single submitter. Criteria: Invitae Variant Classification Sherloc (09022015). Collection method: clinical testing. Allele origin: germline.

CeGaT Center for Human Genetics Tuebingen
Classification: Benign. Last evaluated: 2025-10-01. Review status: criteria provided, single submitter. Criteria: CeGaT Center For Human Genetics Tuebingen Variant Classification Criteria Version 2. Collection method: clinical testing. Allele origin: germline. Affected: yes. Observed: 1 variant allele.
Comment: XPC: BP4, BS1, BS2

Blueprint Genetics
Classification: Likely benign. Last evaluated: 2024-11-18. Review status: criteria provided, single submitter. Criteria: ACMG Guidelines, 2015. Collection method: clinical testing. Allele origin: germline.

Illumina Laboratory Services, Illumina
Classification: Uncertain significance for Xeroderma pigmentosum, group C. Last evaluated: 2018-01-12. Review status: criteria provided, single submitter. Criteria: ICSL Variant Classification Criteria 13 December 2019. Collection method: clinical testing. Allele origin: germline.

ITMI
No classification provided. Condition: AllHighlyPenetrant. Last evaluated: 2013-09-19. Review status: no classification provided. Collection method: reference population. Allele origin: germline. Not counted in ClinVar's aggregate classification.
Comment: Please see associated publication for description of ethnicities

Literature cited by the submitters: PubMed 24728327 (cited by ITMI).